The following is an entry in ClinVar:

NM_001126121.2(SLC25A19):c.343G>A (p.Ala115Thr)

Gene: SLC25A19 (solute carrier family 25 member 19; minus strand). Cytogenetic location: 17q25.1.
Variant type: single nucleotide variant.
Coding change: c.343G>A on transcript NM_001126121.2 (MANE Select); coding-DNA position 343, G replaced by A.
Protein change: p.Ala115Thr; replaces alanine 115 with threonine.
Molecular consequence: missense variant.
Genome position (GRCh38, 1-based): chr17:75,283,539, C>T on the plus strand (G>A on the coding strand, the complement: SLC25A19 is on the minus strand). VCF-style: chr17-75283539-C-T. GRCh37 (hg19) VCF-style: chr17-73279620-C-T.
Other names: c.343G>A, p.Ala115Thr (NM_001126122.2, NM_021734.5); short protein forms A115T.
Identifiers: ClinVar variation 2078681 (VCV002078681.3), dbSNP rs371531040, ClinGen allele CA8761028.

ClinVar aggregate classification (germline): Uncertain significance (1 of 4 stars; one submission).

Allele frequency attached by ClinVar (database versions not stated): ESP Exome Variant Server 0.00008; TOPMed 0.00012; gnomAD 0.00015.
gnomAD v4.1: 112 of 1,613,590 alleles (0.0069%); highest among the groups gnomAD compares: Admixed American, 0.042%; 1 homozygote.

Submission:

Labcorp Genetics (formerly Invitae), Labcorp
Classification: Uncertain significance. Last evaluated: 2024-10-29. Review status: criteria provided, single submitter. Criteria: Invitae Variant Classification Sherloc (09022015). Collection method: clinical testing. Allele origin: germline.
Comment: This sequence change replaces alanine, which is neutral and non-polar, with threonine, which is neutral and polar, at codon 115 of the SLC25A19 protein (p.Ala115Thr). This variant is present in population databases (rs371531040, gnomAD 0.02%). This variant has not been reported in the literature in individuals affected with SLC25A19-related conditions. ClinVar contains an entry for this variant (Variation ID: 2078681). Invitae Evidence Modeling of protein sequence and biophysical properties (such as structural, functional, and spatial information, amino acid conservation, physicochemical variation, residue mobility, and thermodynamic stability) indicates that this missense variant is not expected to disrupt SLC25A19 protein function with a negative predictive value of 80%. In summary, the available evidence is currently insufficient to determine the role of this variant in disease. Therefore, it has been classified as a Variant of Uncertain Significance.